The following is an entry in ClinVar:

NM_019055.6(ROBO4):c.695C>T (p.Thr232Met)

Gene: ROBO4 (roundabout guidance receptor 4; minus strand). Cytogenetic location: 11q24.2.
Variant type: single nucleotide variant.
Coding change: c.695C>T on transcript NM_019055.6 (MANE Select); coding-DNA position 695, C replaced by T.
Protein change: p.Thr232Met; replaces threonine 232 with methionine.
Molecular consequence: missense variant.
Genome position (GRCh38, 1-based): chr11:124,895,897, G>A on the plus strand (C>T on the coding strand, the complement: ROBO4 is on the minus strand). VCF-style: chr11-124895897-G-A. GRCh37 (hg19) VCF-style: chr11-124765793-G-A.
Other names: c.260C>T, p.Thr87Met (NM_001301088.2); short protein forms T232M, T87M.
Identifiers: ClinVar variation 560396 (VCV000560396.5), dbSNP rs150700978, ClinGen allele CA6345212.

ClinVar aggregate classification (germline): Conflicting classifications of pathogenicity. Review status: criteria provided, conflicting classifications (1 of 4 stars). 3 submissions from 3 submitters: Likely pathogenic (1); Uncertain significance (2). Last evaluated 2026-08-06.

Conditions:
Aortic valve disease 3. Identifiers: MedGen C5193127, MONDO:0032783, OMIM 618496.
Ascending tubular aorta aneurysm. Also called: Ascending aortic aneurysm; Ascending aortic dilation; Dilatation of the ascending aorta. Identifiers: MedGen C0856747, HP:0004970.
Bicuspid aortic valve. Identifiers: MedGen C0149630, HP:0001647.

Allele frequency attached by ClinVar (database versions not stated): gnomAD exomes 0.00004 and 0.00010; ExAC 0.00008; ESP Exome Variant Server 0.00008; gnomAD 0.00008 and 0.00009; TOPMed 0.00009.
gnomAD v4.1: 85 of 1,613,818 alleles (0.0053%); highest among the groups gnomAD compares: Admixed American, 0.033%; no homozygotes.

Submissions (3):

OLLIN Analises Genomicas, OLLIN
Classification: Uncertain significance for Aortic valve disease 3. Last evaluated: 2026-08-06. Review status: criteria provided, single submitter. Criteria: ACMG Guidelines 2015 PMID 25741868. Collection method: clinical testing. Allele origin: germline.
Comment: This missense variant, located in exon 5 (of 18), has been reported in ClinVar (accession VCV000560396.4) and in gnomAD with an allele frequency of 0.0053%. However, to our knowledge, it has not been reported in the scientific literature. In silico analysis predicts that this variant has a tolerated effect. According to the currently available evidence, this variant has been classified as uncertain significance (BP4_M).

Department of Pathology and Laboratory Medicine, Sinai Health System
Classification: Uncertain significance for Aortic valve disease 3. Last evaluated: 2021-07-30. Review status: criteria provided, single submitter. Criteria: ACMG Guidelines, 2015. Collection method: research. Allele origin: germline.

Baylor-Hopkins Center for Mendelian Genomics, Johns Hopkins University School of Medicine
Classification: Likely pathogenic for Bicuspid aortic valve; Dilatation of ascending aorta. Review status: criteria provided, single submitter. Criteria: Gould et al., Nature Genet 2019. Collection method: research. Allele origin: unknown. Affected: yes. Observed: 1 variant allele.